The following is an entry in ClinVar:

NM_006721.4(ADK):c.490G>A (p.Glu164Lys)

Gene: ADK (adenosine kinase; plus strand). Cytogenetic location: 10q22.2.
Variant type: single nucleotide variant.
Coding change: c.490G>A on transcript NM_006721.4 (MANE Select); coding-DNA position 490, G replaced by A.
Protein change: p.Glu164Lys; replaces glutamic acid 164 with lysine.
Molecular consequence: missense variant.
Genome position (GRCh38, 1-based): chr10:74,398,514, G>A. VCF-style: chr10-74398514-G-A. GRCh37 (hg19) VCF-style: chr10-76158272-G-A.
Other names: c.439G>A, p.Glu147Lys (NM_001123.4, NM_001369124.1); c.385G>A, p.Glu129Lys (NM_001202449.2); c.490G>A, p.Glu164Lys (NM_001202450.2, NM_001369123.1); short protein forms E147K, E164K, E129K.
Identifiers: ClinVar variation 3685888 (VCV003685888.2).

ClinVar aggregate classification (germline): Uncertain significance (1 of 4 stars; one submission).

gnomAD v4.1: 1 of 1,611,744 alleles (0.000062%); no homozygotes.

Submission:

Labcorp Genetics (formerly Invitae), Labcorp
Classification: Uncertain significance. Last evaluated: 2024-07-23. Review status: criteria provided, single submitter. Criteria: Invitae Variant Classification Sherloc (09022015). Collection method: clinical testing. Allele origin: germline.
Comment: This sequence change replaces glutamic acid, which is acidic and polar, with lysine, which is basic and polar, at codon 147 of the ADK protein (p.Glu147Lys). This variant is present in population databases (rs748654493, gnomAD 0.004%). This variant has not been reported in the literature in individuals affected with ADK-related conditions. Advanced modeling of protein sequence and biophysical properties (such as structural, functional, and spatial information, amino acid conservation, physicochemical variation, residue mobility, and thermodynamic stability) performed at Invitae indicates that this missense variant is not expected to disrupt ADK protein function with a negative predictive value of 80%. In summary, the available evidence is currently insufficient to determine the role of this variant in disease. Therefore, it has been classified as a Variant of Uncertain Significance.